The following is an entry in ClinVar:

NM_006206.6(PDGFRA):c.1954G>T (p.Gly652Trp)

Gene: PDGFRA (platelet derived growth factor receptor alpha; plus strand). Cytogenetic location: 4q12.
Variant type: single nucleotide variant.
Coding change: c.1954G>T on transcript NM_006206.6 (MANE Select); coding-DNA position 1954, G replaced by T.
Protein change: p.Gly652Trp; replaces glycine 652 with tryptophan.
Molecular consequence: missense variant.
Genome position (GRCh38, 1-based): chr4:54,277,958, G>T. VCF-style: chr4-54277958-G-T. GRCh37 (hg19) VCF-style: chr4-55144125-G-T.
Other names: c.1954G>T, p.Gly652Trp (NM_001347827.2, NM_001347829.2); c.2029G>T, p.Gly677Trp (NM_001347828.2); c.1993G>T, p.Gly665Trp (NM_001347830.2); short protein forms G652W, G665W, G677W.
Identifiers: ClinVar variation 1718440 (VCV001718440.6), dbSNP rs2110311625, ClinGen allele CA356893704.
Genomic context (GRCh38, chr4:54,277,958, plus strand): 5'-ACGGCCAGATCCAGTGAAAAACAAGCTCTCATGTCTGAACTGAAGATAATGACTCACCTG[G>T]GGCCACATTTGAACATTGTAAACTTGCTGGGAGCCTGCACCAAGTCAGGTGGGCTCACTG-3'
Protein context (NP_006197.1, residues 642-662): MSELKIMTHL[Gly652Trp]PHLNIVNLLG

ClinVar aggregate classification (germline): Uncertain significance (1 of 4 stars; one submission).

Conditions:
Gastrointestinal stromal tumor. Also called: Gastrointestinal stroma tumor; Gastrointestinal stromal tumor, somatic. Identifiers: Orphanet 44890, MedGen C0238198, MeSH D046152, MONDO:0011719, OMIM 606764, HP:0100723.

Submission:

Labcorp Genetics (formerly Invitae), Labcorp
Classification: Uncertain significance for Gastrointestinal stromal tumor. Last evaluated: 2022-08-31. Review status: criteria provided, single submitter. Criteria: Invitae Variant Classification Sherloc (09022015). Collection method: clinical testing. Allele origin: germline.
Comment: This sequence change replaces glycine, which is neutral and non-polar, with tryptophan, which is neutral and slightly polar, at codon 652 of the PDGFRA protein (p.Gly652Trp). This variant is not present in population databases (gnomAD no frequency). In summary, the available evidence is currently insufficient to determine the role of this variant in disease. Therefore, it has been classified as a Variant of Uncertain Significance. Algorithms developed to predict the effect of missense changes on protein structure and function (SIFT, PolyPhen-2, Align-GVGD) all suggest that this variant is likely to be disruptive. This variant has not been reported in the literature in individuals affected with PDGFRA-related conditions.